The following is an entry in ClinVar:

NM_000018.4(ACADVL):c.142G>A (p.Ala48Thr)

Gene: ACADVL (acyl-CoA dehydrogenase very long chain; plus strand). Cytogenetic location: 17p13.1.
Variant type: single nucleotide variant.
Coding change: c.142G>A on transcript NM_000018.4 (MANE Select); coding-DNA position 142, G replaced by A.
Protein change: p.Ala48Thr; replaces alanine 48 with threonine.
Molecular consequence: missense variant. On other transcripts: 5 prime UTR variant (1), intron variant (1).
Genome position (GRCh38, 1-based): chr17:7,220,467, G>A. VCF-style: chr17-7220467-G-A. GRCh37 (hg19) VCF-style: chr17-7123786-G-A.
Other names: c.211G>A, p.Ala71Thr (NM_001270447.2); c.-87G>A (NM_001270448.2); c.139-137G>A (NM_001033859.3); c.142G>A (NM_000018.2); short protein forms A48T, A71T.
Identifiers: ClinVar variation 1928935 (VCV001928935.3), dbSNP rs769865745, ClinGen allele CA397722177.
Genomic context (GRCh38, chr17:7,220,467, plus strand): 5'-TCCCCTTGACACAGCGGAAGTCCCTTCCCTGAACTTGCTAACCGTCTCTTTTCCCAGCTG[G>A]CTCTGGACAAGTCAGATTCCCACCCCTCTGACGCTCTGACCAGGAAAAAACCGGCCAAGG-3'
Protein context (NP_000009.1, residues 38-58): RPYAGGAAQL[Ala48Thr]LDKSDSHPSD

ClinVar aggregate classification (germline): Uncertain significance. Review status: criteria provided, multiple submitters, no conflicts (2 of 4 stars). 2 submissions from 2 submitters: Uncertain significance (2). Last evaluated 2023-10-20.

Conditions:
Inborn genetic diseases. Identifiers: MedGen C0950123, MeSH D030342.
Very long chain acyl-CoA dehydrogenase deficiency (ACADVLD). Also called: VLCAD Deficiency; Very Long-Chain Acyl-Coenzyme A Dehydrogenase Deficiency. Identifiers: Orphanet 26793, MedGen C3887523, MONDO:0008723, OMIM 201475.

Allele frequency attached by ClinVar (database versions not stated): gnomAD 0.00001.
gnomAD v4.1: 2 of 1,614,096 alleles (0.00012%); highest among the groups gnomAD compares: Non-Finnish European, 0.00017%; no homozygotes.

Submissions (2):

Ambry Genetics
Classification: Uncertain significance for Inborn genetic diseases. Last evaluated: 2023-10-20. Review status: criteria provided, single submitter. Criteria: Ambry Variant Classification Scheme 2023. Collection method: clinical testing. Allele origin: germline.

Labcorp Genetics (formerly Invitae), Labcorp
Classification: Uncertain significance for Very long chain acyl-CoA dehydrogenase deficiency. Last evaluated: 2022-04-11. Review status: criteria provided, single submitter. Criteria: Invitae Variant Classification Sherloc (09022015). Collection method: clinical testing. Allele origin: germline.
Comment: This sequence change replaces alanine, which is neutral and non-polar, with threonine, which is neutral and polar, at codon 48 of the ACADVL protein (p.Ala48Thr). This variant is present in population databases (no rsID available, gnomAD 0.0009%). This variant has not been reported in the literature in individuals affected with ACADVL-related conditions. Algorithms developed to predict the effect of missense changes on protein structure and function (SIFT, PolyPhen-2, Align-GVGD) all suggest that this variant is likely to be tolerated. In summary, the available evidence is currently insufficient to determine the role of this variant in disease. Therefore, it has been classified as a Variant of Uncertain Significance.